The following is an entry in ClinVar:

NM_199420.4(POLQ):c.5196T>G (p.Asn1732Lys)

Gene: POLQ (DNA polymerase theta; minus strand). Cytogenetic location: 3q13.33.
Variant type: single nucleotide variant.
Coding change: c.5196T>G on transcript NM_199420.4 (MANE Select); coding-DNA position 5196, T replaced by G.
Protein change: p.Asn1732Lys; replaces asparagine 1732 with lysine.
Molecular consequence: missense variant.
Genome position (GRCh38, 1-based): chr3:121,487,735, A>C on the plus strand (T>G on the coding strand, the complement: POLQ is on the minus strand). VCF-style: chr3-121487735-A-C. GRCh37 (hg19) VCF-style: chr3-121206582-A-C.
Other names: short protein forms N1732K.
Identifiers: ClinVar variation 3422506 (VCV003422506.1).

ClinVar aggregate classification (germline): Uncertain significance (1 of 4 stars; one submission).

Submission:

Ambry Genetics
Classification: Uncertain significance. Last evaluated: 2024-08-21. Review status: criteria provided, single submitter. Criteria: Ambry Variant Classification Scheme 2023. Collection method: clinical testing. Allele origin: germline.
Comment: The p.N1732K variant (also known as c.5196T>G), located in coding exon 16 of the POLQ gene, results from a T to G substitution at nucleotide position 5196. The asparagine at codon 1732 is replaced by lysine, an amino acid with similar properties. This amino acid position is conserved. In addition, this alteration is predicted to be tolerated by in silico analysis. Based on the available evidence, the clinical significance of this variant remains unclear.